The following is an entry in ClinVar:

NM_021072.4(HCN1):c.809G>A (p.Arg270Gln)

Gene: HCN1 (hyperpolarization activated cyclic nucleotide gated potassium channel 1; minus strand). Cytogenetic location: 5p12.
Variant type: single nucleotide variant.
Coding change: c.809G>A on transcript NM_021072.4 (MANE Select); coding-DNA position 809, G replaced by A.
Protein change: p.Arg270Gln; replaces arginine 270 with glutamine.
Molecular consequence: missense variant.
Genome position (GRCh38, 1-based): chr5:45,645,225, C>T on the plus strand (G>A on the coding strand, the complement: HCN1 is on the minus strand). VCF-style: chr5-45645225-C-T. GRCh37 (hg19) VCF-style: chr5-45645327-C-T.
Other names: short protein forms R270Q.
Identifiers: ClinVar variation 1053011 (VCV001053011.12), dbSNP rs2112031730, ClinGen allele CA359707066.

ClinVar aggregate classification (germline): Uncertain significance. Review status: criteria provided, multiple submitters, no conflicts (2 of 4 stars). 3 submissions from 3 submitters: Uncertain significance (2). 1 of the submissions does not count toward it. Last evaluated 2026-04-22.

Conditions:
Paediatric disorders.
Early-infantile DEE. Also called: Ohtahara syndrome; Early infantile epileptic encephalopathy with suppression bursts; Early infantile epileptic encephalopathy. Identifiers: Orphanet 1934, MedGen C0393706, MONDO:0800491.
Seizure. Also called: Seizures. Identifiers: MedGen C0036572, HP:0001250.

Allele frequency attached by ClinVar (database versions not stated): gnomAD exomes below 0.00001.
gnomAD v4.1: 6 of 1,613,346 alleles (0.00037%); highest among the groups gnomAD compares: Non-Finnish European, 0.00034%; no homozygotes.

Submissions (3):

NHS Central & South Genomic Laboratory Hub
Classification: Uncertain significance for Paediatric disorders. Last evaluated: 2026-04-22. Review status: criteria provided, single submitter. Criteria: ACMG Guidelines, 2015. Collection method: clinical testing. Allele origin: germline. Affected: yes.

Labcorp Genetics (formerly Invitae), Labcorp
Classification: Uncertain significance for Early-infantile DEE. Last evaluated: 2022-04-15. Review status: criteria provided, single submitter. Criteria: Invitae Variant Classification Sherloc (09022015). Collection method: clinical testing. Allele origin: germline.
Comment: This variant has not been reported in the literature in individuals affected with HCN1-related conditions. ClinVar contains an entry for this variant (Variation ID: 1053011). Advanced modeling of protein sequence and biophysical properties (such as structural, functional, and spatial information, amino acid conservation, physicochemical variation, residue mobility, and thermodynamic stability) performed at Invitae indicates that this missense variant is expected to disrupt HCN1 protein function. In summary, the available evidence is currently insufficient to determine the role of this variant in disease. Therefore, it has been classified as a Variant of Uncertain Significance. This variant is not present in population databases (gnomAD no frequency). This sequence change replaces arginine, which is basic and polar, with glutamine, which is neutral and polar, at codon 270 of the HCN1 protein (p.Arg270Gln).

Diagnostic Laboratory, Strasbourg University Hospital
Classification: Uncertain significance for Seizure. Review status: no assertion criteria provided. Collection method: clinical testing. Allele origin: paternal. Affected: yes. Observed: 1 heterozygote. Not counted in ClinVar's aggregate classification.